The following is an entry in ClinVar:

NM_001387430.1(SH2B1):c.838G>A (p.Gly280Arg)

Gene: SH2B1 (SH2B adaptor protein 1; plus strand). Cytogenetic location: 16p11.2.
Variant type: single nucleotide variant.
Coding change: c.838G>A on transcript NM_001387430.1 (MANE Select); coding-DNA position 838, G replaced by A.
Protein change: p.Gly280Arg; replaces glycine 280 with arginine.
Molecular consequence: missense variant. On other transcripts: intron variant (1).
Genome position (GRCh38, 1-based): chr16:28,866,932, G>A. VCF-style: chr16-28866932-G-A. GRCh37 (hg19) VCF-style: chr16-28878253-G-A.
Other names: c.838G>A, p.Gly280Arg (NM_001145795.2, NM_001145796.2, NM_001145797.2 and 4 more transcripts); c.-26-442G>A (NM_001308294.2); short protein forms G280R.
Identifiers: ClinVar variation 3352572 (VCV003352572.1).

ClinVar aggregate classification (germline): Uncertain significance (0 of 4 stars; one submission).

Conditions:
SH2B1-related disorder. Also called: SH2B1-related condition.

gnomAD v4.1: 5 of 1,610,508 alleles (0.00031%); highest among the groups gnomAD compares: African/African-American, 0.004%; no homozygotes.

Submission:

PreventionGenetics, part of Exact Sciences
Classification: Uncertain significance for SH2B1-related condition. Last evaluated: 2024-04-26. Review status: no assertion criteria provided. Collection method: clinical testing. Allele origin: germline.
Comment: The SH2B1 c.838G>A variant is predicted to result in the amino acid substitution p.Gly280Arg. To our knowledge, this variant has not been reported in the literature. This variant is reported in 0.013% of alleles in individuals of African descent in gnomAD. At this time, the clinical significance of this variant is uncertain due to the absence of conclusive functional and genetic evidence.